The following is an entry in ClinVar:

ClinVar aggregate classification (germline): Uncertain significance (1 of 4 stars; one submission).

Allele frequency attached by ClinVar (database versions not stated): gnomAD 0.00001; 1000 Genomes Project 30x 0.00016; 1000 Genomes Project 0.00020.
gnomAD v4.1: 2 of 1,614,170 alleles (0.00012%); highest among the groups gnomAD compares: African/African-American, 0.0027%; no homozygotes.

Submission:

Labcorp Genetics (formerly Invitae), Labcorp
Classification: Uncertain significance. Last evaluated: 2022-04-22. Review status: criteria provided, single submitter. Criteria: Invitae Variant Classification Sherloc (09022015). Collection method: clinical testing. Allele origin: germline.
Comment: In summary, the available evidence is currently insufficient to determine the role of this variant in disease. Therefore, it has been classified as a Variant of Uncertain Significance. Algorithms developed to predict the effect of missense changes on protein structure and function (SIFT, PolyPhen-2, Align-GVGD) all suggest that this variant is likely to be tolerated. This variant has not been reported in the literature in individuals affected with CNGB1-related conditions. This variant is present in population databases (rs193155551, gnomAD 0.007%). This sequence change replaces methionine, which is neutral and non-polar, with leucine, which is neutral and non-polar, at codon 904 of the CNGB1 protein (p.Met904Leu).

NM_001297.5(CNGB1):c.2710A>C (p.Met904Leu)

Gene: CNGB1 (cyclic nucleotide gated channel subunit beta 1; minus strand). Cytogenetic location: 16q21.
Variant type: single nucleotide variant.
Coding change: c.2710A>C on transcript NM_001297.5 (MANE Select); coding-DNA position 2710, A replaced by C.
Protein change: p.Met904Leu; replaces methionine 904 with leucine.
Molecular consequence: missense variant.
Genome position (GRCh38, 1-based): chr16:57,903,906, T>G on the plus strand (A>C on the coding strand, the complement: CNGB1 is on the minus strand). VCF-style: chr16-57903906-T-G. GRCh37 (hg19) VCF-style: chr16-57937810-T-G.
Other names: c.2692A>C, p.Met898Leu (NM_001286130.2); short protein forms M898L, M904L.
Identifiers: ClinVar variation 2129466 (VCV002129466.4), dbSNP rs193155551, ClinGen allele CA8082851.